The following is an entry in ClinVar:

ClinVar aggregate classification (germline): Benign/Likely benign. Review status: criteria provided, multiple submitters, no conflicts (2 of 4 stars). 8 submissions from 8 submitters: Benign (4); Likely benign (4). Last evaluated 2026-02-03.

Conditions:
Hereditary cancer-predisposing syndrome. Also called: Tumor predisposition; Neoplastic Syndromes, Hereditary; Hereditary Cancer Syndrome; Hereditary neoplastic syndrome. Identifiers: Orphanet 140162, MedGen C0027672, MeSH D009386, MONDO:0015356.
Gorlin syndrome. Also called: Basal cell nevus syndrome; Nevoid Basal Cell Carcinoma Syndrome. Identifiers: Orphanet 377, MedGen C0004779, MONDO:0007187.

Allele frequency attached by ClinVar (database versions not stated): gnomAD 0.00067; 1000 Genomes Project 0.00100; TOPMed 0.00107; ESP Exome Variant Server 0.00108; 1000 Genomes Project 30x 0.00125.
gnomAD v4.1: 233 of 1,583,216 alleles (0.015%); highest among the groups gnomAD compares: African/African-American, 0.27%; 3 homozygotes.

Submissions (8):

Labcorp Genetics (formerly Invitae), Labcorp
Classification: Benign for Gorlin syndrome. Last evaluated: 2026-02-03. Review status: criteria provided, single submitter. Criteria: Invitae Variant Classification Sherloc (09022015). Collection method: clinical testing. Allele origin: germline.

Quest Diagnostics Nichols Institute San Juan Capistrano
Classification: Benign. Last evaluated: 2025-07-21. Review status: criteria provided, single submitter. Criteria: Quest Diagnostics criteria. Collection method: clinical testing. Allele origin: unknown.

CeGaT Center for Human Genetics Tuebingen
Classification: Likely benign. Last evaluated: 2025-07-01. Review status: criteria provided, single submitter. Criteria: CeGaT Center For Human Genetics Tuebingen Variant Classification Criteria Version 2. Collection method: clinical testing. Allele origin: germline. Affected: yes. Observed: 2 variant alleles.
Comment: PTCH1: BP4, BP7

Center for Genomic Medicine, Rigshospitalet, Copenhagen University Hospital
Classification: Likely benign. Last evaluated: 2025-03-04. Review status: criteria provided, single submitter. Criteria: ACMG Guidelines, 2015. Collection method: clinical testing. Allele origin: germline.

KCCC/NGS Laboratory, Kuwait Cancer Control Center
Classification: Benign for Basal cell nevus syndrome 1. Last evaluated: 2023-07-07. Review status: criteria provided, single submitter. Criteria: ACMG Guidelines, 2015. Collection method: clinical testing. Allele origin: germline. Affected: yes.

Sema4
Classification: Benign for Hereditary cancer-predisposing syndrome. Last evaluated: 2021-08-23. Review status: criteria provided, single submitter. Criteria: Sema4 Curation Guidelines. Collection method: curation. Allele origin: germline.

ARUP Laboratories, Molecular Genetics and Genomics, ARUP Laboratories
Classification: Likely benign. Last evaluated: 2019-09-03. Review status: criteria provided, single submitter. Criteria: ARUP Molecular Germline Variant Investigation Process. Collection method: clinical testing. Allele origin: germline.

Ambry Genetics
Classification: Likely benign for Hereditary cancer-predisposing syndrome. Last evaluated: 2017-04-18. Review status: criteria provided, single submitter. Criteria: Ambry Variant Classification Scheme 2023. Collection method: clinical testing. Allele origin: germline.

NM_000264.5(PTCH1):c.3633C>G (p.Pro1211=)

Gene: PTCH1 (patched 1; minus strand). Cytogenetic location: 9q22.32.
Variant type: single nucleotide variant.
Coding change: c.3633C>G on transcript NM_000264.5 (MANE Select); coding-DNA position 3633, C replaced by G.
Protein change: p.Pro1211=; no amino-acid change (proline 1211 retained).
Molecular consequence: synonymous variant. On other transcripts: non-coding transcript variant (1).
Genome position (GRCh38, 1-based): chr9:95,449,240, G>C on the plus strand (C>G on the coding strand, the complement: PTCH1 is on the minus strand). VCF-style: chr9-95449240-G-C. GRCh37 (hg19) VCF-style: chr9-98211522-G-C.
Other names: c.3435C>G, p.Pro1145= (NM_001083602.3); c.3630C>G, p.Pro1210= (NM_001083603.3); c.3180C>G, p.Pro1060= (NM_001083604.3, NM_001083605.3, NM_001083606.3 and 1 more transcripts); c.3477C>G, p.Pro1159= (NM_001354918.2).
Identifiers: ClinVar variation 215459 (VCV000215459.55), dbSNP rs56007343, ClinGen allele CA338213.